The following is an entry in ClinVar:

ClinVar aggregate classification (germline): Uncertain significance (1 of 4 stars; one submission).

Conditions:
Hyperkalemic periodic paralysis. Also called: Familial hyperkalemic periodic paralysis; Gamstorp disease. Identifiers: Orphanet 682, MedGen C0238357, MONDO:0008224, OMIM 170500, HP:0007215.

Submission:

Labcorp Genetics (formerly Invitae), Labcorp
Classification: Uncertain significance for Hyperkalemic periodic paralysis. Last evaluated: 2024-08-06. Review status: criteria provided, single submitter. Criteria: Invitae Variant Classification Sherloc (09022015). Collection method: clinical testing. Allele origin: germline.
Comment: This sequence change replaces lysine, which is basic and polar, with threonine, which is neutral and polar, at codon 554 of the SCN4A protein (p.Lys554Thr). This variant is not present in population databases (gnomAD no frequency). This variant has not been reported in the literature in individuals affected with SCN4A-related conditions. Advanced modeling of protein sequence and biophysical properties (such as structural, functional, and spatial information, amino acid conservation, physicochemical variation, residue mobility, and thermodynamic stability) performed at Invitae indicates that this missense variant is not expected to disrupt SCN4A protein function with a negative predictive value of 95%. In summary, the available evidence is currently insufficient to determine the role of this variant in disease. Therefore, it has been classified as a Variant of Uncertain Significance.

NM_000334.4(SCN4A):c.1661A>C (p.Lys554Thr)

Gene: SCN4A (sodium voltage-gated channel alpha subunit 4; minus strand). Cytogenetic location: 17q23.3.
Variant type: single nucleotide variant.
Coding change: c.1661A>C on transcript NM_000334.4 (MANE Select); coding-DNA position 1661, A replaced by C.
Protein change: p.Lys554Thr; replaces lysine 554 with threonine.
Molecular consequence: missense variant.
Genome position (GRCh38, 1-based): chr17:63,961,377, T>G on the plus strand (A>C on the coding strand, the complement: SCN4A is on the minus strand). VCF-style: chr17-63961377-T-G. GRCh37 (hg19) VCF-style: chr17-62038737-T-G.
Other names: short protein forms K554T.
Identifiers: ClinVar variation 3661562 (VCV003661562.2).